The following is an entry in ClinVar:

NM_004284.6(CHD1L):c.990T>A (p.Gly330=)

Gene: CHD1L (chromodomain helicase DNA binding protein 1 like; plus strand). Cytogenetic location: 1q21.1.
Variant type: single nucleotide variant.
Coding change: c.990T>A on transcript NM_004284.6 (MANE Select); coding-DNA position 990, T replaced by A.
Protein change: p.Gly330=; no amino-acid change (glycine 330 retained).
Molecular consequence: synonymous variant. On other transcripts: non-coding transcript variant (16).
Genome position (GRCh38, 1-based): chr1:147,268,783, T>A. VCF-style: chr1-147268783-T-A. GRCh37 (hg19) VCF-style: chr1-146740442-T-A.
Other names: c.690T>A, p.Gly230= (NM_001256336.3); c.147T>A, p.Gly49= (NM_001256337.3, NM_001348456.2, NM_001348457.2 and 9 more transcripts); c.378T>A, p.Gly126= (NM_001256338.3); c.774T>A, p.Gly258= (NM_001348451.2, NM_001348452.2); c.651T>A, p.Gly217= (NM_001348453.2, NM_024568.4); c.534T>A, p.Gly178= (NM_001348454.2); c.501T>A, p.Gly167= (NM_001348455.2).
Identifiers: ClinVar variation 3771357 (VCV003771357.14).

ClinVar aggregate classification (germline): Likely benign. Review status: criteria provided, multiple submitters, no conflicts (2 of 4 stars). 2 submissions from 2 submitters: Likely benign (2). Last evaluated 2025-02-01.

gnomAD v4.1: 459 of 1,612,772 alleles (0.028%); highest among the groups gnomAD compares: Non-Finnish European, 0.036%; no homozygotes.

Submissions (2):

CeGaT Center for Human Genetics Tuebingen
Classification: Likely benign. Last evaluated: 2025-02-01. Review status: criteria provided, single submitter. Criteria: CeGaT Center For Human Genetics Tuebingen Variant Classification Criteria Version 2. Collection method: clinical testing. Allele origin: germline. Affected: yes. Observed: 1 variant allele.
Comment: CHD1L: BP4, BP7

Blueprint Genetics
Classification: Likely benign. Last evaluated: 2024-10-25. Review status: criteria provided, single submitter. Criteria: ACMG Guidelines, 2015. Collection method: clinical testing. Allele origin: germline.